The following is an entry in ClinVar:

NM_014905.5(GLS):c.-212GCA[26]

Genes: GLS (glutaminase; plus strand), LOC129935268 (ATAC-STARR-seq lymphoblastoid silent region 12186; plus strand). Cytogenetic location: 2q32.2.
Variant type: Microsatellite.
Coding change: c.-212GCA[26] on transcript NM_014905.5 (MANE Select); 26 copies in a row of the 3-base unit GCA starting at c.-212; the reference has 16 copies in a row; ten copies, 30 bases duplicated.
Molecular consequence: 5 prime UTR variant.
Genome position (GRCh38, 1-based): chr2:190,880,891-190,880,920, GCAGCAGCAGCAGCAGCAGCAGCAGCAGCA duplicated; duplicating any 30 consecutive bases within chr2:190,880,873-190,880,920 gives the same sequence; the position shown is the placement nearest the transcript's 3' end. VCF-style (leftmost placement, unchanged base first): chr2-190880872-C-CGCAGCAGCAGCAGCAGCAGCAGCAGCAGCA. GRCh37 (hg19) VCF-style: chr2-191745598-C-CGCAGCAGCAGCAGCAGCAGCAGCAGCAGCA.
Other names: c.-212GCA[26] (NM_001256310.2).
Identifiers: ClinVar variation 3030444 (VCV003030444.2), dbSNP rs57674096, ClinGen allele CA1040555456.

ClinVar aggregate classification (germline): Likely benign (0 of 4 stars; one submission).

Conditions:
GLS-related disorder. Also called: GLS-related condition.

Submission:

PreventionGenetics, part of Exact Sciences
Classification: Likely benign for GLS-related condition. Last evaluated: 2021-09-30. Review status: no assertion criteria provided. Collection method: clinical testing. Allele origin: germline.
Comment: This variant is classified as likely benign based on ACMG/AMP sequence variant interpretation guidelines (Richards et al. 2015 PMID: 25741868, with internal and published modifications).